The following is an entry in ClinVar:

NM_213599.3(ANO5):c.1445_1450dup (p.Tyr483_Arg484insLeuTyr)

Gene: ANO5 (anoctamin 5; plus strand). Cytogenetic location: 11p14.3.
Variant type: Duplication.
Coding change: c.1445_1450dup on transcript NM_213599.3 (MANE Select); coding-DNA positions 1445 to 1450, 6 bases duplicated (TGTACC; older notation c.1445_1450dupTGTACC).
Protein change: p.Tyr483_Arg484insLeuTyr.
Molecular consequence: inframe insertion. On other transcripts: inframe indel (1).
Genome position (GRCh38, 1-based): chr11:22,259,556-22,259,561, TGTACC duplicated. VCF-style (leftmost placement, unchanged base first): chr11-22259555-G-GTGTACC. GRCh37 (hg19) VCF-style: chr11-22281101-G-GTGTACC.
Other names: c.1445_1450dup6 (NM_213599.2); c.1442_1447dup, p.Tyr482_Arg483insLeuTyr (NM_001142649.2); c.1403_1408dup, p.Tyr469_Arg470insLeuTyr (NM_001410963.1); c.1400_1405dup, p.Tyr468_Arg469insLeuTyr (NM_001410964.1).
Identifiers: ClinVar variation 2635107 (VCV002635107.2), dbSNP rs2494305910, ClinGen allele CA2695201106.

ClinVar aggregate classification (germline): Uncertain significance (1 of 4 stars; one submission).

Conditions:
ANO5-related disorder. Also called: ANO5-related condition; ANO5-related disorders. Identifiers: MedGen CN239193.

Submission:

PreventionGenetics, part of Exact Sciences
Classification: Uncertain significance for ANO5-related condition. Last evaluated: 2025-04-24. Review status: criteria provided, single submitter. Criteria: ACMG Guidelines, 2015. Collection method: clinical testing. Allele origin: germline.
Comment: The ANO5 c.1445_1450dup6 variant is predicted to result in an in-frame duplication (p.Tyr483_Arg484insLeuTyr). To our knowledge, this variant has not been reported in the literature or in a large population database, indicating this variant is rare. At this time, the clinical significance of this variant is uncertain due to the absence of conclusive functional and genetic evidence.